The following is an entry in ClinVar:

ClinVar aggregate classification (germline): Uncertain significance. Review status: criteria provided, multiple submitters, no conflicts (2 of 4 stars). 2 submissions from 2 submitters: Uncertain significance (2). Last evaluated 2024-08-15.

Conditions:
Cardiovascular phenotype. Identifiers: MedGen CN230736.
Hypertrophic cardiomyopathy. Also called: HYPERTROPHIC MYOCARDIOPATHY. Identifiers: Orphanet 217569, MedGen C0007194, MeSH D002312, MONDO:0005045, HP:0001639.

Submissions (2):

Ambry Genetics
Classification: Uncertain significance for Cardiovascular phenotype. Last evaluated: 2024-08-15. Review status: criteria provided, single submitter. Criteria: Ambry Variant Classification Scheme 2023. Collection method: clinical testing. Allele origin: germline.
Comment: The p.N391S variant (also known as c.1172A>G), located in coding exon 11 of the MYH7 gene, results from an A to G substitution at nucleotide position 1172. The asparagine at codon 391 is replaced by serine, an amino acid with highly similar properties. This alteration is located in the myosin head domain, which contains a statistically significant clustering of pathogenic missense variants (Homburger JR et al. Proc Natl Acad Sci U S A, 2016 06;113:6701-6; Walsh R et al. Genet Med, 2017 02;19:192-203; Ambry internal data). This variant has been detected in individuals with features consistent with hypertrophic cardiomyopathy (Bonaventura J et al. J Am Heart Assoc. 2024 May;13(10):e033565; Ambry internal data). This amino acid position is highly conserved in available vertebrate species. In addition, this alteration is predicted to be tolerated by in silico analysis. Since supporting evidence is limited at this time, the clinical significance of this alteration remains unclear.

Labcorp Genetics (formerly Invitae), Labcorp
Classification: Uncertain significance for Hypertrophic cardiomyopathy. Last evaluated: 2018-03-28. Review status: criteria provided, single submitter. Criteria: Invitae Variant Classification Sherloc (09022015). Collection method: clinical testing. Allele origin: germline.
Comment: This sequence change replaces asparagine with serine at codon 391 of the MYH7 protein (p.Asn391Ser). The asparagine residue is highly conserved and there is a small physicochemical difference between asparagine and serine. In summary, the available evidence is currently insufficient to determine the role of this variant in disease. Therefore, it has been classified as a Variant of Uncertain Significance. This variant is not present in population databases (ExAC no frequency). This variant has not been reported in the literature in individuals with MYH7-related disease. Algorithms developed to predict the effect of missense changes on protein structure and function do not agree on the potential impact of this missense change (SIFT: "Deleterious"; PolyPhen-2: "Probably Damaging"; Align-GVGD: "Class C0"). This variant is found within a region of MYH7 between codons 181 and 937 that contains the majority of the myosin head domain. Missense variants in this region have been shown to be significantly overrepresented in individuals with hypertrophic cardiomyopathy (PMID: 27532257).

Literature cited by the submitters: PubMed 38757491 (cited by Ambry Genetics); PubMed 27532257 (cited by Labcorp Genetics (formerly Invitae), Labcorp).

NM_000257.4(MYH7):c.1172A>G (p.Asn391Ser)

Gene: MYH7 (myosin heavy chain 7; minus strand). Cytogenetic location: 14q11.2.
Variant type: single nucleotide variant.
Coding change: c.1172A>G on transcript NM_000257.4 (MANE Select); coding-DNA position 1172, A replaced by G.
Protein change: p.Asn391Ser; replaces asparagine 391 with serine.
Molecular consequence: missense variant.
Genome position (GRCh38, 1-based): chr14:23,429,314, T>C on the plus strand (A>G on the coding strand, the complement: MYH7 is on the minus strand). VCF-style: chr14-23429314-T-C. GRCh37 (hg19) VCF-style: chr14-23898523-T-C.
Other names: short protein forms N391S.
Identifiers: ClinVar variation 569956 (VCV000569956.11), dbSNP rs1566535452, ClinGen allele CA389051192.